The following is an entry in ClinVar:

ClinVar aggregate classification (germline): Uncertain significance (1 of 4 stars; one submission).

Submission:

GeneDx
Classification: Uncertain significance. Last evaluated: 2024-04-24. Review status: criteria provided, single submitter. Criteria: GeneDx Variant Classification Process June 2021. Collection method: clinical testing. Allele origin: germline. Affected: yes.
Comment: Not observed at significant frequency in large population cohorts (gnomAD); In silico analysis indicates that this missense variant does not alter protein structure/function; Has not been previously published as pathogenic or benign to our knowledge

NM_002578.5(PAK3):c.511T>C (p.Ser171Pro)

Gene: PAK3 (p21 (RAC1) activated kinase 3; plus strand). Cytogenetic location: Xq23.
Variant type: single nucleotide variant.
Coding change: c.511T>C on transcript NM_002578.5 (MANE Select); coding-DNA position 511, T replaced by C.
Protein change: p.Ser171Pro; replaces serine 171 with proline.
Molecular consequence: missense variant. On other transcripts: non-coding transcript variant (2).
Genome position (GRCh38, 1-based): chrX:111,162,957, T>C. VCF-style: chrX-111162957-T-C. GRCh37 (hg19) VCF-style: chrX-110406185-T-C.
Other names: c.511T>C, p.Ser171Pro (NM_001128166.3, NM_001128167.3, NM_001324325.2 and 5 more transcripts); c.619T>C, p.Ser207Pro (NM_001128168.3); c.574T>C, p.Ser192Pro (NM_001128172.2); c.556T>C, p.Ser186Pro (NM_001128173.3, NM_001324327.2, NM_001324328.2 and 2 more transcripts); short protein forms S171P, S186P, S192P, S207P.
Identifiers: ClinVar variation 3372658 (VCV003372658.1).
Genomic context (GRCh38, chrX:111,162,957, plus strand): 5'-CTTTGTTTTTGTCACAAGAGTACAAAAACAGCATCTGAGCCTCCATTGGCCCCTCCTGTG[T>C]CTGAAGAAGAAGATGAAGAGGAAGAAGAAGAAGAAGATGAAAATGAGCCACCACCAGTTA-3'
Protein context (NP_002569.1, residues 161-181): ASEPPLAPPV[Ser171Pro]EEEDEEEEEE